The following is an entry in ClinVar:

NM_000070.3(CAPN3):c.1195A>G (p.Met399Val)

Gene: CAPN3 (calpain 3; plus strand). Cytogenetic location: 15q15.1.
Variant type: single nucleotide variant.
Coding change: c.1195A>G on transcript NM_000070.3 (MANE Select); coding-DNA position 1195, A replaced by G.
Protein change: p.Met399Val; replaces methionine 399 with valine.
Molecular consequence: missense variant.
Genome position (GRCh38, 1-based): chr15:42,399,493, A>G. VCF-style: chr15-42399493-A-G. GRCh37 (hg19) VCF-style: chr15-42691691-A-G.
Other names: c.1195A>G, p.Met399Val (NM_024344.2); c.1051A>G, p.Met351Val (NM_173087.2); c.934A>G, p.Met312Val (NM_212464.2); c.*888A>G (NM_212467.2); short protein forms M399V, M312V, M351V.
Identifiers: ClinVar variation 2742235 (VCV002742235.3), dbSNP rs2548273842, ClinGen allele CA391999306.

ClinVar aggregate classification (germline): Uncertain significance (1 of 4 stars; one submission).

Conditions:
Autosomal recessive limb-girdle muscular dystrophy type 2A (LGMDR1). Also called: Muscular dystrophy, limb-girdle, type 2A, Amish; Calpainopathy; LEYDEN-MOEBIUS MUSCULAR DYSTROPHY; MUSCULAR DYSTROPHY, PELVOFEMORAL; Limb-girdle muscular dystrophy, type 2A. Identifiers: Orphanet 267, MedGen C1869123, MONDO:0009675, OMIM 253600. Disease mechanism: loss of function.

Submission:

Labcorp Genetics (formerly Invitae), Labcorp
Classification: Uncertain significance for Autosomal recessive limb-girdle muscular dystrophy type 2A. Last evaluated: 2024-09-06. Review status: criteria provided, single submitter. Criteria: Invitae Variant Classification Sherloc (09022015). Collection method: clinical testing. Allele origin: germline.
Comment: This sequence change replaces methionine, which is neutral and non-polar, with valine, which is neutral and non-polar, at codon 399 of the CAPN3 protein (p.Met399Val). This variant is not present in population databases (gnomAD no frequency). This variant has not been reported in the literature in individuals affected with CAPN3-related conditions. An algorithm developed to predict the effect of missense changes on protein structure and function (PolyPhen-2) suggests that this variant is likely to be tolerated. In summary, the available evidence is currently insufficient to determine the role of this variant in disease. Therefore, it has been classified as a Variant of Uncertain Significance.